The following is an entry in ClinVar:

NM_001367624.2(ZNF469):c.8719C>T (p.Arg2907Cys)

Gene: ZNF469 (zinc finger protein 469; plus strand). Cytogenetic location: 16q24.2.
Variant type: single nucleotide variant.
Coding change: c.8719C>T on transcript NM_001367624.2 (MANE Select); coding-DNA position 8719, C replaced by T.
Protein change: p.Arg2907Cys; replaces arginine 2907 with cysteine.
Molecular consequence: missense variant.
Genome position (GRCh38, 1-based): chr16:88,436,189, C>T. VCF-style: chr16-88436189-C-T. GRCh37 (hg19) VCF-style: chr16-88502597-C-T.
Other names: NM_001127464.1:c.8635C>T; short protein forms R2907C.
Identifiers: ClinVar variation 1764117 (VCV001764117.5), dbSNP rs750710598, ClinGen allele CA8225363.

ClinVar aggregate classification (germline): Uncertain significance. Review status: criteria provided, multiple submitters, no conflicts (2 of 4 stars). 2 submissions from 2 submitters: Uncertain significance (2). Last evaluated 2025-03-06.

Conditions:
Cardiovascular phenotype. Identifiers: MedGen CN230736.

Allele frequency attached by ClinVar (database versions not stated): gnomAD 0.00003; gnomAD exomes 0.00004; TOPMed 0.00004; ExAC 0.00007.
gnomAD v4.1: 65 of 1,547,712 alleles (0.0042%); highest among the groups gnomAD compares: South Asian, 0.006%; no homozygotes.

Submissions (2):

Ambry Genetics
Classification: Uncertain significance for Cardiovascular phenotype. Last evaluated: 2025-03-06. Review status: criteria provided, single submitter. Criteria: Ambry Variant Classification Scheme 2023. Collection method: clinical testing. Allele origin: germline.

Labcorp Genetics (formerly Invitae), Labcorp
Classification: Uncertain significance. Last evaluated: 2022-02-08. Review status: criteria provided, single submitter. Criteria: Invitae Variant Classification Sherloc (09022015). Collection method: clinical testing. Allele origin: germline.
Comment: This sequence change replaces arginine, which is basic and polar, with cysteine, which is neutral and slightly polar, at codon 2879 of the ZNF469 protein (p.Arg2879Cys). This variant is present in population databases (rs750710598, gnomAD 0.009%). This variant has not been reported in the literature in individuals affected with ZNF469-related conditions. Algorithms developed to predict the effect of missense changes on protein structure and function output the following: SIFT: "Deleterious"; PolyPhen-2: "Benign"; Align-GVGD: "Class C0". The cysteine amino acid residue is found in multiple mammalian species, which suggests that this missense change does not adversely affect protein function. In summary, the available evidence is currently insufficient to determine the role of this variant in disease. Therefore, it has been classified as a Variant of Uncertain Significance.